The following is an entry in ClinVar:

NM_000222.3(KIT):c.1810G>A (p.Val604Ile)

Gene: KIT (KIT proto-oncogene, receptor tyrosine kinase; plus strand). Cytogenetic location: 4q12.
Variant type: single nucleotide variant.
Coding change: c.1810G>A on transcript NM_000222.3 (MANE Select); coding-DNA position 1810, G replaced by A.
Protein change: p.Val604Ile; replaces valine 604 with isoleucine.
Molecular consequence: missense variant.
Genome position (GRCh38, 1-based): chr4:54,727,858, G>A. VCF-style: chr4-54727858-G-A. GRCh37 (hg19) VCF-style: chr4-55594024-G-A.
Other names: c.1798G>A, p.Val600Ile (NM_001093772.2, NM_001385286.1); c.1813G>A, p.Val605Ile (NM_001385284.1, NM_001385290.1); c.1810G>A, p.Val604Ile (NM_001385285.1); c.1801G>A, p.Val601Ile (NM_001385288.1, NM_001385292.1); short protein forms V600I, V604I, V601I, V605I.
Identifiers: ClinVar variation 1366227 (VCV001366227.6), dbSNP rs2109779617, ClinGen allele CA356907966.

ClinVar aggregate classification (germline): Uncertain significance (1 of 4 stars; one submission).

Conditions:
Gastrointestinal stromal tumor. Also called: Gastrointestinal stroma tumor; Gastrointestinal stromal tumor, somatic. Identifiers: Orphanet 44890, MedGen C0238198, MeSH D046152, MONDO:0011719, OMIM 606764, HP:0100723.

Submission:

Labcorp Genetics (formerly Invitae), Labcorp
Classification: Uncertain significance for Gastrointestinal stromal tumor. Last evaluated: 2021-08-30. Review status: criteria provided, single submitter. Criteria: Invitae Variant Classification Sherloc (09022015). Collection method: clinical testing. Allele origin: germline.
Comment: This sequence change replaces valine with isoleucine at codon 604 of the KIT protein (p.Val604Ile). The valine residue is highly conserved and there is a small physicochemical difference between valine and isoleucine. This variant is not present in population databases (ExAC no frequency). This missense change has been observed in individual(s) with piebaldism (PMID: 16220461). Algorithms developed to predict the effect of missense changes on protein structure and function (SIFT, PolyPhen-2, Align-GVGD) all suggest that this variant is likely to be disruptive. Algorithms developed to predict the effect of sequence changes on RNA splicing suggest that this variant may create or strengthen a splice site. In summary, the available evidence is currently insufficient to determine the role of this variant in disease. Therefore, it has been classified as a Variant of Uncertain Significance.

Literature cited by the submitters: PubMed 16220461.